The following is an entry in ClinVar:

NM_018474.6(KIZ):c.1705A>G (p.Lys569Glu)

Gene: KIZ (kizuna centrosomal protein; plus strand). Cytogenetic location: 20p11.23.
Variant type: single nucleotide variant.
Coding change: c.1705A>G on transcript NM_018474.6 (MANE Select); coding-DNA position 1705, A replaced by G.
Protein change: p.Lys569Glu; replaces lysine 569 with glutamic acid.
Molecular consequence: missense variant.
Genome position (GRCh38, 1-based): chr20:21,229,037, A>G. VCF-style: chr20-21229037-A-G. GRCh37 (hg19) VCF-style: chr20-21209675-A-G.
Other names: c.1396A>G, p.Lys466Glu (NM_001163022.3); c.1306A>G, p.Lys436Glu (NM_001163023.3); c.1558A>G, p.Lys520Glu (NM_001276389.2); c.1651A>G, p.Lys551Glu (NM_001352434.2); c.1342A>G, p.Lys448Glu (NM_001352435.2); c.1363A>G, p.Lys455Glu (NM_001352436.2); short protein forms K436E, K569E, K448E, K455E, K466E, K551E, K520E.
Identifiers: ClinVar variation 1037399 (VCV001037399.8), dbSNP rs1016673163, ClinGen allele CA312986884.
Genomic context (GRCh38, chr20:21,229,037, plus strand): 5'-ATGTAATATTTCTGTGTTTTTCTTTAATCAACAGAAACAGAAGCCTATCAGTTGCTGAAG[A>G]AGGCCACCCTTCAGGATAATACAAATCAAACTGAAAACAGGTTTCAAAAGACAGATGCTT-3'
Protein context (NP_060944.3, residues 559-579): TETEAYQLLK[Lys569Glu]ATLQDNTNQT

ClinVar aggregate classification (germline): Uncertain significance (1 of 4 stars; one submission).

Allele frequency attached by ClinVar (database versions not stated): gnomAD exomes below 0.00001; gnomAD 0.00001; TOPMed 0.00002.
gnomAD v4.1: 4 of 1,610,010 alleles (0.00025%); highest among the groups gnomAD compares: African/African-American, 0.004%; no homozygotes.

Submission:

Labcorp Genetics (formerly Invitae), Labcorp
Classification: Uncertain significance. Last evaluated: 2024-10-29. Review status: criteria provided, single submitter. Criteria: Invitae Variant Classification Sherloc (09022015). Collection method: clinical testing. Allele origin: germline.
Comment: This sequence change replaces lysine, which is basic and polar, with glutamic acid, which is acidic and polar, at codon 569 of the KIZ protein (p.Lys569Glu). This variant is not present in population databases (gnomAD no frequency). This variant has not been reported in the literature in individuals affected with KIZ-related conditions. ClinVar contains an entry for this variant (Variation ID: 1037399). Experimental studies and prediction algorithms are not available or were not evaluated, and the functional significance of this variant is currently unknown. In summary, the available evidence is currently insufficient to determine the role of this variant in disease. Therefore, it has been classified as a Variant of Uncertain Significance.